The following is an entry in ClinVar:

ClinVar aggregate classification (germline): Uncertain significance. Review status: criteria provided, multiple submitters, no conflicts (2 of 4 stars). 4 submissions from 4 submitters: Uncertain significance (4). Last evaluated 2026-08-12.

Conditions:
Noonan syndrome 5 (NS5). Also called: RAF1-Related Noonan Syndrome. Identifiers: Orphanet 648, MedGen C1969057, MONDO:0012690, OMIM 611553. Disease mechanism: gain of function.
RASopathy. Also called: rasopathies; Noonan spectrum disorder. Identifiers: Orphanet 536391, MedGen C5555857, MONDO:0021060.
Cardiovascular phenotype. Identifiers: MedGen CN230736.

Allele frequency attached by ClinVar (database versions not stated): gnomAD exomes below 0.00001; ExAC 0.00001; gnomAD 0.00001.
gnomAD v4.1: 6 of 1,613,962 alleles (0.00037%); highest among the groups gnomAD compares: African/African-American, 0.0013%; no homozygotes.

Submissions (4):

GeneDx
Classification: Uncertain significance. Last evaluated: 2026-08-12. Review status: criteria provided, single submitter. Criteria: GeneDx Variant Classification Process June 2021. Collection method: clinical testing. Allele origin: germline.
Comment: Has not been previously published as pathogenic or benign to our knowledge; Not observed at significant frequency in large population cohorts (gnomAD); Missense variants in this gene are a common cause of disease and they are underrepresented in the general population; In silico analysis supports that this missense variant has a deleterious effect on protein structure/function; This variant is associated with the following publications: (PMID: 29493581)

3billion
Classification: Uncertain significance for Noonan syndrome 5. Last evaluated: 2025-09-02. Review status: criteria provided, single submitter. Criteria: ACMG Guidelines, 2015. Collection method: clinical testing. Allele origin: germline. Affected: yes.
Comment: The variant is observed at an extremely low frequency in the gnomAD v4.1.0 dataset (total allele frequency: <0.001%). Predicted Consequence/Location: Missense variant. Missense changes are a common disease-causing mechanism. In silico tool predictions suggest damaging effect of the variant on gene or gene product [REVEL: 0.83 (>=0.6, sensitivity 0.68 and specificity 0.92); 3Cnet: 0.95 (> 0.75, sensitivity 0.96 and precision 0.92)]. A different missense change at the same codon (p.Thr145Pro) has been reported to be associated with RAF1-related disorder (ClinVar ID: VCV000373032 /PMID: 33318624). However the evidence of pathogenicity is insufficient at this time. Therefore, this variant is classified as VUS according to the recommendation of ACMG/AMP guideline.

Labcorp Genetics (formerly Invitae), Labcorp
Classification: Uncertain significance for RASopathy. Last evaluated: 2025-07-03. Review status: criteria provided, single submitter. Criteria: Invitae Variant Classification Sherloc (09022015). Collection method: clinical testing. Allele origin: germline.
Comment: This sequence change replaces threonine, which is neutral and polar, with methionine, which is neutral and non-polar, at codon 145 of the RAF1 protein (p.Thr145Met). This variant is not present in population databases (gnomAD no frequency). This variant has not been reported in the literature in individuals affected with RAF1-related conditions. ClinVar contains an entry for this variant (Variation ID: 477676). Invitae Evidence Modeling of protein sequence and biophysical properties (such as structural, functional, and spatial information, amino acid conservation, physicochemical variation, residue mobility, and thermodynamic stability) indicates that this missense variant is expected to disrupt RAF1 protein function with a positive predictive value of 95%. In summary, the available evidence is currently insufficient to determine the role of this variant in disease. Therefore, it has been classified as a Variant of Uncertain Significance.

Molecular Diagnostic Laboratory for Inherited Cardiovascular Disease, Montreal Heart Institute
Classification: Uncertain significance for Cardiovascular phenotype. Last evaluated: 2025-04-09. Review status: criteria provided, single submitter. Criteria: ACMG Guidelines, 2015. Collection method: clinical testing. Allele origin: germline. Affected: yes.

Literature cited by the submitters: PubMed 33318624 (cited by 3billion).

NM_002880.4(RAF1):c.434C>T (p.Thr145Met)

Gene: RAF1 (Raf-1 proto-oncogene, serine/threonine kinase; minus strand). Cytogenetic location: 3p25.2.
Variant type: single nucleotide variant.
Coding change: c.434C>T on transcript NM_002880.4 (MANE Select); coding-DNA position 434, C replaced by T.
Protein change: p.Thr145Met; replaces threonine 145 with methionine.
Molecular consequence: missense variant. On other transcripts: non-coding transcript variant (3).
Genome position (GRCh38, 1-based): chr3:12,608,913, G>A on the plus strand (C>T on the coding strand, the complement: RAF1 is on the minus strand). VCF-style: chr3-12608913-G-A. GRCh37 (hg19) VCF-style: chr3-12650412-G-A.
Other names: c.434C>T, p.Thr145Met (NM_001354689.3, NM_001354690.3, NM_001354693.3); c.191C>T, p.Thr64Met (NM_001354691.3, NM_001354692.3, NM_001354694.3 and 1 more transcripts); short protein forms T145M, T64M.
Identifiers: ClinVar variation 477676 (VCV000477676.12), dbSNP rs762448032, ClinGen allele CA2259757.